The following is an entry in ClinVar:

NM_000718.4(CACNA1B):c.4527G>A (p.Val1509=)

Gene: CACNA1B (calcium voltage-gated channel subunit alpha1 B; plus strand). Cytogenetic location: 9q34.3.
Variant type: single nucleotide variant.
Coding change: c.4527G>A on transcript NM_000718.4 (MANE Select); coding-DNA position 4527, G replaced by A.
Protein change: p.Val1509=; no amino-acid change (valine 1509 retained).
Molecular consequence: synonymous variant.
Genome position (GRCh38, 1-based): chr9:138,059,132, G>A. VCF-style: chr9-138059132-G-A. GRCh37 (hg19) VCF-style: chr9-140953584-G-A.
Other names: c.4527G>A, p.Val1509= (NM_001243812.2).
Identifiers: ClinVar variation 3027011 (VCV003027011.22), dbSNP rs2539460157, ClinGen allele CA467889837.
Genomic context (GRCh38, chr9:138,059,132, plus strand): 5'-CGGGCAGTTCTATGATGCACCCTATGAGTACGAGCTGATGCTGAAATGCCTGAACATCGT[G>A]TTCACATCCATGTTCTCCATGGAATGCGTGCTGAAGATCATCGCCTTTGGGGTGCTGGTA-3'
Protein context (NP_000709.1, residues 1499-1519): YELMLKCLNI[Val1509=]FTSMFSMECV

ClinVar aggregate classification (germline): Likely benign (1 of 4 stars; one submission).

Submission:

CeGaT Center for Human Genetics Tuebingen
Classification: Likely benign. Last evaluated: 2024-01-01. Review status: criteria provided, single submitter. Criteria: CeGaT Center For Human Genetics Tuebingen Variant Classification Criteria Version 2. Collection method: clinical testing. Allele origin: germline. Affected: yes. Observed: 1 variant allele.
Comment: CACNA1B: PM2:Supporting, BP4, BP7